The following is an entry in ClinVar:

ClinVar aggregate classification (germline): Likely benign (1 of 4 stars; one submission).

Conditions:
Familial thoracic aortic aneurysm and aortic dissection (TAAD). Also called: Thoracic aortic aneurysms and dissections. Identifiers: Orphanet 91387, MedGen C4707243, MONDO:0019625.

Allele frequency attached by ClinVar (database versions not stated): gnomAD 0.00001.
gnomAD v4.1: 2 of 1,613,374 alleles (0.00012%); highest among the groups gnomAD compares: African/African-American, 0.0013%; no homozygotes.

Submission:

All of Us Research Program, National Institutes of Health
Classification: Likely benign for Familial thoracic aortic aneurysm and aortic dissection. Last evaluated: 2023-11-02. Review status: criteria provided, single submitter. Criteria: ACMG Guidelines, 2015. Collection method: clinical testing. Allele origin: germline. Inheritance: Autosomal dominant inheritance. Observed: 2 variant alleles, 2 heterozygotes.
Comment: This study involves interpretation of variants in research participants for the purpose of population health screening. Participant phenotype was not available at the time of variant classification. Additional details can be found in publication PMID: 35346344, PMCID: PMC8962531

NM_002474.3(MYH11):c.1402-9T>C

Gene: MYH11 (myosin heavy chain 11; minus strand). Cytogenetic location: 16p13.11.
Variant type: single nucleotide variant.
Coding change: c.1402-9T>C on transcript NM_002474.3 (MANE Select); 9 bases into the intron before coding-DNA position 1402, T replaced by C.
Molecular consequence: intron variant.
Genome position (GRCh38, 1-based): chr16:15,758,009, A>G on the plus strand (T>C on the coding strand, the complement: MYH11 is on the minus strand). VCF-style: chr16-15758009-A-G. GRCh37 (hg19) VCF-style: chr16-15851866-A-G.
Other names: c.1402-9T>C (NM_022844.3); c.1423-9T>C (NM_001040114.2, NM_001040113.2).
Identifiers: ClinVar variation 3073717 (VCV003073717.1), dbSNP rs1244608158, ClinGen allele CA621181467.